The following is an entry in ClinVar:

NM_022168.4(IFIH1):c.996G>T (p.Gly332=)

Gene: IFIH1 (interferon induced with helicase C domain 1; minus strand). Cytogenetic location: 2q24.2.
Variant type: single nucleotide variant.
Coding change: c.996G>T on transcript NM_022168.4 (MANE Select); coding-DNA position 996, G replaced by T.
Protein change: p.Gly332=; no amino-acid change (glycine 332 retained).
Molecular consequence: synonymous variant.
Genome position (GRCh38, 1-based): chr2:162,288,234, C>A on the plus strand (G>T on the coding strand, the complement: IFIH1 is on the minus strand). VCF-style: chr2-162288234-C-A. GRCh37 (hg19) VCF-style: chr2-163144744-C-A.
Other names: c.996G>T, p.Gly332= (LRG_1235t1).
Identifiers: ClinVar variation 657655 (VCV000657655.8), dbSNP rs1576229569, ClinGen allele CA429536395.
Genomic context (GRCh38, chr2:162,288,234, plus strand): 5'-TTTTTTCTTCTTGTCTAAGTGATCCTTGGCAATGTAAACAGCCACTCTGGTTTTTCCACT[C>A]CCTGTAGGGAGGCAGATGATGATATTCTTCCCTTCCAAGGCTGGCTGGGCAACTTCCATT-3'
Protein context (NP_071451.2, residues 322-342): GKNIIICLPT[Gly332=]SGKTRVAVYI

ClinVar aggregate classification (germline): Uncertain significance (1 of 4 stars; one submission).

Conditions:
Aicardi-Goutieres syndrome 7 (AGS7). Identifiers: Orphanet 51, MedGen C3888244, MONDO:0014367, OMIM 615846.
Singleton-Merten syndrome 1 (SGMRT1). Also called: Widened medullary cavities of bone, aortic calcification, abnormal dentition, and muscular weakness; Syndrome of widened medullary cavities of the metacarpals and phalanges, aortic calcification and abnormal dentition. Identifiers: Orphanet 85191, MedGen C4225427, MONDO:0024535, OMIM 182250.

Allele frequency attached by ClinVar (database versions not stated): gnomAD exomes below 0.00001.
gnomAD v4.1: 5 of 1,612,786 alleles (0.00031%); highest among the groups gnomAD compares: Non-Finnish European, 0.00042%; no homozygotes.

Submission:

Labcorp Genetics (formerly Invitae), Labcorp
Classification: Uncertain significance for Aicardi-Goutieres syndrome 7; Singleton-Merten syndrome 1. Last evaluated: 2024-05-06. Review status: criteria provided, single submitter. Criteria: Invitae Variant Classification Sherloc (09022015). Collection method: clinical testing. Allele origin: germline.
Comment: This sequence change affects codon 332 of the IFIH1 mRNA. It is a 'silent' change, meaning that it does not change the encoded amino acid sequence of the IFIH1 protein. This variant is not present in population databases (gnomAD no frequency). This variant has not been reported in the literature in individuals affected with IFIH1-related conditions. ClinVar contains an entry for this variant (Variation ID: 657655). Algorithms developed to predict the effect of sequence changes on RNA splicing suggest that this variant may create or strengthen a splice site. In summary, the available evidence is currently insufficient to determine the role of this variant in disease. Therefore, it has been classified as a Variant of Uncertain Significance.